The following is an entry in ClinVar:

ClinVar aggregate classification (germline): Uncertain significance (1 of 4 stars; one submission).

Conditions:
Methylcobalamin deficiency type cblG (HMAG). Also called: HOMOCYSTINURIA-MEGALOBLASTIC ANEMIA, cblG COMPLEMENTATION TYPE; HOMOCYSTINURIA-MEGALOBLASTIC ANEMIA, cblG TYPE; Functional methionine synthase deficiency type cblG; HOMOCYSTINURIA-MEGALOBLASTIC ANEMIA DUE TO DEFECT IN COBALAMIN METABOLISM, cblG COMPLEMENTATION TYPE. Identifiers: Orphanet 2170, Orphanet 622, MedGen C1855128, MONDO:0009609, OMIM 250940.

Allele frequency attached by ClinVar (database versions not stated): ExAC 0.00002.
gnomAD v4.1: 4 of 1,613,952 alleles (0.00025%); highest among the groups gnomAD compares: Admixed American, 0.0067%; no homozygotes.

Submission:

Labcorp Genetics (formerly Invitae), Labcorp
Classification: Uncertain significance for Methylcobalamin deficiency type cblG. Last evaluated: 2022-05-25. Review status: criteria provided, single submitter. Criteria: Invitae Variant Classification Sherloc (09022015). Collection method: clinical testing. Allele origin: germline.
Comment: This sequence change replaces proline, which is neutral and non-polar, with alanine, which is neutral and non-polar, at codon 343 of the MTR protein (p.Pro343Ala). This variant is present in population databases (rs754098487, gnomAD 0.01%). This variant has not been reported in the literature in individuals affected with MTR-related conditions. Algorithms developed to predict the effect of missense changes on protein structure and function are either unavailable or do not agree on the potential impact of this missense change (SIFT: "Deleterious"; PolyPhen-2: "Probably Damaging"; Align-GVGD: "Class C0"). In summary, the available evidence is currently insufficient to determine the role of this variant in disease. Therefore, it has been classified as a Variant of Uncertain Significance.

NM_000254.3(MTR):c.1027C>G (p.Pro343Ala)

Gene: MTR (5-methyltetrahydrofolate-homocysteine methyltransferase; plus strand). Cytogenetic location: 1q43.
Variant type: single nucleotide variant.
Coding change: c.1027C>G on transcript NM_000254.3 (MANE Select); coding-DNA position 1027, C replaced by G.
Protein change: p.Pro343Ala; replaces proline 343 with alanine.
Molecular consequence: missense variant. On other transcripts: 5 prime UTR variant (1).
Genome position (GRCh38, 1-based): chr1:236,829,220, C>G. VCF-style: chr1-236829220-C-G. GRCh37 (hg19) VCF-style: chr1-236992520-C-G.
Other names: c.1027C>G, p.Pro343Ala (NM_001291939.1, NM_001410942.1); c.-82C>G (NM_001291940.2); short protein forms P343A.
Identifiers: ClinVar variation 2144544 (VCV002144544.1), dbSNP rs754098487, ClinGen allele CA1473964.